The following is an entry in ClinVar:

NM_006767.4(LZTR1):c.528_531dup (p.His178fs)

Gene: LZTR1 (leucine zipper like post translational regulator 1; plus strand). Cytogenetic location: 22q11.21.
Variant type: Duplication.
Coding change: c.528_531dup on transcript NM_006767.4 (MANE Select); coding-DNA positions 528 to 531, 4 bases duplicated (AGCC; older notation c.528_531dupAGCC).
Protein change: p.His178fs; shifts the reading frame from histidine 178.
Molecular consequence: frameshift variant.
Genome position (GRCh38, 1-based): chr22:20,988,807-20,988,810, AGCC duplicated; duplicating any 4 consecutive bases within chr22:20,988,806-20,988,810 gives the same sequence; the c. name uses the placement nearest the transcript's 3' end. VCF-style (leftmost placement, unchanged base first): chr22-20988805-T-TCAGC. GRCh37 (hg19) VCF-style: chr22-21343094-T-TCAGC.
Other names: short protein forms H178fs.
Identifiers: ClinVar variation 3724209 (VCV003724209.2).

ClinVar aggregate classification (germline): Pathogenic (1 of 4 stars; one submission).

Submission:

Labcorp Genetics (formerly Invitae), Labcorp
Classification: Pathogenic. Last evaluated: 2024-10-30. Review status: criteria provided, single submitter. Criteria: Invitae Variant Classification Sherloc (09022015). Collection method: clinical testing. Allele origin: germline.
Comment: This sequence change creates a premature translational stop signal (p.His178Serfs*9) in the LZTR1 gene. It is expected to result in an absent or disrupted protein product. Loss-of-function variants in LZTR1 are known to be pathogenic (PMID: 24362817, 25335493, 25480913, 25795793, 29469822, 30368668, 30442762, 30442766, 30481304, 30859559). This variant is not present in population databases (gnomAD no frequency). This variant has not been reported in the literature in individuals affected with LZTR1-related conditions. For these reasons, this variant has been classified as Pathogenic.

Literature cited by the submitters: PubMed 24362817; PubMed 25335493; PubMed 25480913; PubMed 25795793; PubMed 29469822; PubMed 30368668; PubMed 30442762; PubMed 30442766; PubMed 30481304; PubMed 30859559.